The following is an entry in ClinVar:

ClinVar aggregate classification (germline): Likely benign. Review status: criteria provided, multiple submitters, no conflicts (2 of 4 stars). 3 submissions from 3 submitters: Likely benign (2). 1 of the submissions does not count toward it. Last evaluated 2025-09-09.

Conditions:
RYR1-related disorder. Also called: RYR1-related condition; RYR1-related disorders. Identifiers: MedGen CN239331.
Malignant hyperthermia, susceptibility to, 1 (MHS1). Also called: Anesthesia related hyperthermia; Malignant hyperpyrexia; Fulminating hyperpyrexia; Pharmacogenic myopathy; Malignant hyperthermia suceptibility 1; RYR1-Related Malignant Hyperthermia Susceptibility. Identifiers: Orphanet 423, MedGen C2930980, MONDO:0007783, OMIM 145600.

Allele frequency attached by ClinVar (database versions not stated): TOPMed below 0.00001; gnomAD 0.00001; ExAC 0.00002; gnomAD exomes 0.00002 and 0.00003.
gnomAD v4.1: 24 of 1,614,000 alleles (0.0015%); highest among the groups gnomAD compares: Non-Finnish European, 0.0019%; no homozygotes.

Submissions (3):

Labcorp Genetics (formerly Invitae), Labcorp
Classification: Likely benign for RYR1-related disorder. Last evaluated: 2025-09-09. Review status: criteria provided, single submitter. Criteria: Invitae Variant Classification Sherloc (09022015). Collection method: clinical testing. Allele origin: germline.

Color Diagnostics, LLC DBA Color Health
Classification: Likely benign for Malignant hyperthermia, susceptibility to, 1. Last evaluated: 2024-05-21. Review status: criteria provided, single submitter. Criteria: ACMG Guidelines, 2015. Collection method: clinical testing. Allele origin: germline.

PreventionGenetics, part of Exact Sciences
Classification: Likely benign for RYR1-related condition. Last evaluated: 2021-06-02. Review status: no assertion criteria provided. Collection method: clinical testing. Allele origin: germline. Not counted in ClinVar's aggregate classification.
Comment: This variant is classified as likely benign based on ACMG/AMP sequence variant interpretation guidelines (Richards et al. 2015 PMID: 25741868, with internal and published modifications).

NM_000540.3(RYR1):c.14274G>A (p.Lys4758=)

Gene: RYR1 (ryanodine receptor 1; plus strand). Cytogenetic location: 19q13.2.
Variant type: single nucleotide variant.
Coding change: c.14274G>A on transcript NM_000540.3 (MANE Select); coding-DNA position 14274, G replaced by A.
Protein change: p.Lys4758=; no amino-acid change (lysine 4758 retained).
Molecular consequence: synonymous variant.
Genome position (GRCh38, 1-based): chr19:38,578,019, G>A. VCF-style: chr19-38578019-G-A. GRCh37 (hg19) VCF-style: chr19-39068659-G-A.
Other names: c.14259G>A, p.Lys4753= (NM_001042723.2).
Identifiers: ClinVar variation 698340 (VCV000698340.13), dbSNP rs773793941, ClinGen allele CA061027.
Genomic context (GRCh38, chr19:38,578,019, plus strand): 5'-TGCTGAGCTACTGGGCATGGACCTGGCCACACTAGAGATCACAGCCCACAATGAGCGCAA[G>A]CCCAACCCGCCGCCAGGGCTGCTGACCTGGTGAGCCCAGGACACCCCTGCACAGGCCTGG-3'
Protein context (NP_000531.2, residues 4748-4768): TLEITAHNER[Lys4758=]PNPPPGLLTW